The following is an entry in ClinVar:

NM_000944.5(PPP3CA):c.1390_1394dup (p.Lys466fs)

Gene: PPP3CA (protein phosphatase 3 catalytic subunit alpha; minus strand). Cytogenetic location: 4q24.
Variant type: Duplication.
Coding change: c.1390_1394dup on transcript NM_000944.5 (MANE Select); coding-DNA positions 1390 to 1394, 5 bases duplicated (CAACA; older notation c.1390_1394dupCAACA).
Protein change: p.Lys466fs; shifts the reading frame from lysine 466.
Molecular consequence: frameshift variant.
Genome position (GRCh38, 1-based): chr4:101,026,037-101,026,041, TGTTG duplicated on the plus strand (CAACA on the coding strand, the reverse complement: PPP3CA is on the minus strand); duplicating any 5 consecutive bases within chr4:101,026,037-101,026,043 gives the same sequence; the c. name uses the placement nearest the transcript's 3' end. VCF-style (leftmost placement, unchanged base first): chr4-101026036-A-ATGTTG. GRCh37 (hg19) VCF-style: chr4-101947193-A-ATGTTG.
Other names: c.1360_1364dup, p.Lys456fs (NM_001130691.2); c.1234_1238dup, p.Lys414fs (NM_001130692.2); short protein forms K414fs, K456fs, K466fs.
Identifiers: ClinVar variation 4819179 (VCV004819179.1).

ClinVar aggregate classification (germline): Uncertain significance (1 of 4 stars; one submission).

Conditions:
Developmental and epileptic encephalopathy 91. Also called: EPILEPTIC ENCEPHALOPATHY, INFANTILE OR EARLY CHILDHOOD, 1. Identifiers: MedGen C4540199, MONDO:0020630, OMIM 617711.

Submission:

Institute of Human Genetics, University of Leipzig Medical Center
Classification: Uncertain significance for Developmental and epileptic encephalopathy 91. Last evaluated: 2026-01-27. Review status: criteria provided, single submitter. Criteria: ACMG Guidelines, 2015. Collection method: clinical testing. Allele origin: unknown. Inheritance: Autosomal dominant inheritance. Affected: yes.
Comment: Criteria applied: PVS1_MOD,PM2